The following is an entry in ClinVar:

ClinVar aggregate classification (germline): Uncertain significance. Review status: criteria provided, multiple submitters, no conflicts (2 of 4 stars). 3 submissions from 3 submitters: Uncertain significance (3). Last evaluated 2025-07-03.

Conditions:
Inborn genetic diseases. Identifiers: MedGen C0950123, MeSH D030342.
Infantile neuroaxonal dystrophy (NBIA2A). Also called: NEURODEGENERATION WITH BRAIN IRON ACCUMULATION 2A; Infantile neuroaxonal dystrophy 1; SEITELBERGER DISEASE. Identifiers: Orphanet 35069, MedGen C0270724, MONDO:0024457, OMIM 256600.

Allele frequency attached by ClinVar (database versions not stated): TOPMed 0.00001; ExAC 0.00002.
gnomAD v4.1: 45 of 1,613,990 alleles (0.0028%); highest among the groups gnomAD compares: Non-Finnish European, 0.002%; no homozygotes.

Submissions (3):

Ambry Genetics
Classification: Uncertain significance for Inborn genetic diseases. Last evaluated: 2025-07-03. Review status: criteria provided, single submitter. Criteria: Ambry Variant Classification Scheme 2023. Collection method: clinical testing. Allele origin: germline.

CeGaT Center for Human Genetics Tuebingen
Classification: Uncertain significance. Last evaluated: 2022-11-01. Review status: criteria provided, single submitter. Criteria: CeGaT Center For Human Genetics Tuebingen Variant Classification Criteria Version 2. Collection method: clinical testing. Allele origin: germline. Affected: yes. Observed: 1 variant allele.
Comment: PLA2G6: PM2, BP4

Labcorp Genetics (formerly Invitae), Labcorp
Classification: Uncertain significance for Infantile neuroaxonal dystrophy. Last evaluated: 2022-05-21. Review status: criteria provided, single submitter. Criteria: Invitae Variant Classification Sherloc (09022015). Collection method: clinical testing. Allele origin: germline.
Comment: This sequence change replaces arginine, which is basic and polar, with glutamine, which is neutral and polar, at codon 609 of the PLA2G6 protein (p.Arg609Gln). This variant is present in population databases (rs762533381, gnomAD 0.02%). This variant has not been reported in the literature in individuals affected with PLA2G6-related conditions. Advanced modeling of protein sequence and biophysical properties (such as structural, functional, and spatial information, amino acid conservation, physicochemical variation, residue mobility, and thermodynamic stability) performed at Invitae indicates that this missense variant is not expected to disrupt PLA2G6 protein function. In summary, the available evidence is currently insufficient to determine the role of this variant in disease. Therefore, it has been classified as a Variant of Uncertain Significance.

NM_003560.4(PLA2G6):c.1826G>A (p.Arg609Gln)

Gene: PLA2G6 (phospholipase A2 group VI; minus strand). Cytogenetic location: 22q13.1.
Variant type: single nucleotide variant.
Coding change: c.1826G>A on transcript NM_003560.4 (MANE Select); coding-DNA position 1826, G replaced by A.
Protein change: p.Arg609Gln; replaces arginine 609 with glutamine.
Molecular consequence: missense variant.
Genome position (GRCh38, 1-based): chr22:38,116,128, C>T on the plus strand (G>A on the coding strand, the complement: PLA2G6 is on the minus strand). VCF-style: chr22-38116128-C-T. GRCh37 (hg19) VCF-style: chr22-38512135-C-T.
Other names: c.1826G>A (NM_003560.2); c.1664G>A, p.Arg555Gln (NM_001004426.3, NM_001199562.3, NM_001349865.2 and 1 more transcripts); c.1826G>A, p.Arg609Gln (NM_001349864.2); c.1292G>A, p.Arg431Gln (NM_001349867.2); c.1148G>A, p.Arg383Gln (NM_001349868.2); c.1130G>A, p.Arg377Gln (NM_001349869.2); short protein forms R555Q, R609Q, R431Q, R377Q, R383Q.
Identifiers: ClinVar variation 1879558 (VCV001879558.34), dbSNP rs762533381, ClinGen allele CA10230708.